The following is an entry in ClinVar:

NM_000548.5(TSC2):c.1987_1988del (p.Leu663fs)

Gene: TSC2 (TSC complex subunit 2; plus strand). Cytogenetic location: 16p13.3.
Variant type: Deletion.
Coding change: c.1987_1988del on transcript NM_000548.5 (MANE Select); coding-DNA positions 1987 to 1988, 2 bases deleted (CT; older notation c.1987_1988delCT).
Protein change: p.Leu663fs; shifts the reading frame from leucine 663.
Molecular consequence: frameshift variant.
Genome position (GRCh38, 1-based): chr16:2,071,824-2,071,825, CT deleted. VCF-style (leftmost placement, unchanged base first): chr16-2071823-CCT-C. GRCh37 (hg19) VCF-style: chr16-2121824-CCT-C.
Other names: c.1987_1988del, p.Leu663fs (NM_001077183.3, NM_001114382.3, NM_001363528.2 and 3 more transcripts); c.1876_1877del, p.Leu626fs (NM_001318827.2); c.1840_1841del, p.Leu614fs (NM_001318829.2); c.1387_1388del, p.Leu463fs (NM_001318831.2); c.2020_2021del, p.Leu674fs (NM_001318832.2); short protein forms L463fs, L674fs, L614fs, L663fs, L626fs.
Identifiers: ClinVar variation 817377 (VCV000817377.3), dbSNP rs1596344279, ClinGen allele CA915946252.
Genomic context (GRCh38, chr16:2,071,823, plus strand): 5'-CTGCTTCTCTTGCTTCTGCAGGGAGCCAGAGAGAGGCTCTGAGAAGAAGACCAGCGGCCC[CCT>C]TTCTCCTCCCACAGGGCCTCCTGGCCCGGCGCCTGCAGGCCCCGCCGTGCGGCTGGGGTC-3'

ClinVar aggregate classification (germline): Pathogenic. Review status: criteria provided, multiple submitters, no conflicts (2 of 4 stars). 2 submissions from 2 submitters: Pathogenic (2). Last evaluated 2025-01-01.

Conditions:
Tuberous sclerosis 2 (TSC2). Identifiers: Orphanet 805, MedGen C1860707, MONDO:0013199, OMIM 613254.

Submissions (2):

Labcorp Genetics (formerly Invitae), Labcorp
Classification: Pathogenic for Tuberous sclerosis 2. Last evaluated: 2025-01-01. Review status: criteria provided, single submitter. Criteria: Invitae Variant Classification Sherloc (09022015). Collection method: clinical testing. Allele origin: germline.
Comment: This sequence change creates a premature translational stop signal (p.Leu663Phefs*39) in the TSC2 gene. It is expected to result in an absent or disrupted protein product. Loss-of-function variants in TSC2 are known to be pathogenic (PMID: 10205261, 17304050). This variant is not present in population databases (gnomAD no frequency). This variant has not been reported in the literature in individuals affected with TSC2-related conditions. ClinVar contains an entry for this variant (Variation ID: 817377). For these reasons, this variant has been classified as Pathogenic.

GeneDx
Classification: Pathogenic. Last evaluated: 2018-12-27. Review status: criteria provided, single submitter. Criteria: GeneDx Variant Classification (06012015). Collection method: clinical testing. Allele origin: germline. Affected: yes.
Comment: The c.1987_1988delCT pathogenic variant in the TSC2 gene causes a frameshift starting with codon Leucine 663, changes this amino acid to a Phenylalanine residue and creates a premature Stop codon at position 39 of the new reading frame, denoted p.Leu663PhefsX39. This pathogenic variant is predicted to cause loss of normal protein function either through protein truncation or nonsense-mediated mRNA decay. This variant is not observed in large population cohorts (Lek et al., 2016).

Literature cited by the submitters: PubMed 10205261 (cited by Labcorp Genetics (formerly Invitae), Labcorp); PubMed 17304050 (cited by Labcorp Genetics (formerly Invitae), Labcorp).